The following is an entry in ClinVar:

ClinVar aggregate classification (germline): Uncertain significance (1 of 4 stars; one submission).

gnomAD v4.1: 6 of 1,613,228 alleles (0.00037%); highest among the groups gnomAD compares: Admixed American, 0.01%; no homozygotes.

Submission:

Ambry Genetics
Classification: Uncertain significance. Last evaluated: 2026-02-17. Review status: criteria provided, single submitter. Criteria: Ambry Variant Classification Scheme 2023. Collection method: clinical testing. Allele origin: germline.
Comment: The c.460A>G (p.I154V) alteration is located in exon 6 (coding exon 6) of the UBE2G2 gene. This alteration results from a A to G substitution at nucleotide position 460, causing the isoleucine (I) at amino acid position 154 to be replaced by a valine (V). Based on data from gnomAD, the G allele has an overall frequency of 0.002% (4/250796) total alleles studied. The highest observed frequency was 0.012% (4/34586) of Latino alleles. Based on insufficient or conflicting evidence, the clinical significance of this alteration remains unclear.

NM_003343.6(UBE2G2):c.460A>G (p.Ile154Val)

Gene: UBE2G2 (ubiquitin conjugating enzyme E2 G2; minus strand). Cytogenetic location: 21q22.3.
Variant type: single nucleotide variant.
Coding change: c.460A>G on transcript NM_003343.6 (MANE Select); coding-DNA position 460, A replaced by G.
Protein change: p.Ile154Val; replaces isoleucine 154 with valine.
Molecular consequence: missense variant.
Genome position (GRCh38, 1-based): chr21:44,771,415, T>C on the plus strand (A>G on the coding strand, the complement: UBE2G2 is on the minus strand). VCF-style: chr21-44771415-T-C. GRCh37 (hg19) VCF-style: chr21-46191330-T-C.
Other names: c.250A>G, p.Ile84Val (NM_001202489.2); c.376A>G, p.Ile126Val (NM_182688.3); short protein forms I84V, I126V, I154V.
Identifiers: ClinVar variation 4828704 (VCV004828704.1).
Genomic context (GRCh38, chr21:44,771,415, plus strand): 5'-CGCGCCTGTGCGAGGCCAGGTCTCACAGTCCCAGAGACTTCTGGACGATCTGCTTGGCAA[T>C]CTTATAGAACTGCTCCCGGTCATCGCGCCACATTTTGGACGCATCCACGTTAGCTCCACT-3'
Protein context (NP_003334.2, residues 144-164): WRDDREQFYK[Ile154Val]AKQIVQKSLG